The following is an entry in ClinVar:

ClinVar aggregate classification (germline): Benign (1 of 4 stars; one submission).

Conditions:
Spinocerebellar ataxia type 27 (SCA27). Identifiers: Orphanet 98764, MedGen C1836383, MONDO:0012247.

Allele frequency attached by ClinVar (database versions not stated): gnomAD 0.00007 and 0.00052; TOPMed 0.00015; gnomAD exomes 0.00101; 1000 Genomes Project 30x 0.00406; 1000 Genomes Project 0.00459.
gnomAD v4.1: 105 of 178,132 alleles (0.059%); highest among the groups gnomAD compares: South Asian, 1.2%; 3 homozygotes.

Submission:

Illumina Laboratory Services, Illumina
Classification: Benign for Spinocerebellar ataxia 27A. Last evaluated: 2018-01-12. Review status: criteria provided, single submitter. Criteria: ICSL Variant Classification Criteria 13 December 2019. Collection method: clinical testing. Allele origin: germline.
Comment: This variant was observed in the ICSL laboratory as part of a predisposition screen in an ostensibly healthy population. It had not been previously curated by ICSL or reported in the Human Gene Mutation Database (HGMD: prior to June 1st, 2018), and was therefore a candidate for classification through an automated scoring system. Utilizing variant allele frequency, disease prevalence and penetrance estimates, and inheritance mode, an automated score was calculated to assess if this variant is too frequent to cause the disease. Based on the score and internal cut-off values, a variant classified as benign is not then subjected to further curation. The score for this variant resulted in a classification of benign for this disease.

NM_004115.4(FGF14):c.*567G>C

Gene: FGF14 (fibroblast growth factor 14; minus strand). Cytogenetic location: 13q33.1.
Variant type: single nucleotide variant.
Coding change: c.*567G>C on transcript NM_004115.4 (MANE Select); 567 bases downstream of the stop codon, G replaced by C.
Molecular consequence: 3 prime UTR variant.
Genome position (GRCh38, 1-based): chr13:101,722,264, C>G on the plus strand (G>C on the coding strand, the complement: FGF14 is on the minus strand). VCF-style: chr13-101722264-C-G. GRCh37 (hg19) VCF-style: chr13-102374614-C-G.
Other names: c.*567G>C (NM_001321931.1, NM_001321932.1, NM_001321933.1 and 17 more transcripts).
Identifiers: ClinVar variation 310885 (VCV000310885.5), dbSNP rs546536488, ClinGen allele CA10643636.